The following is an entry in ClinVar:

ClinVar aggregate classification (germline): Uncertain significance (1 of 4 stars; one submission).

Conditions:
Hereditary antithrombin deficiency (AT3D). Also called: Antithrombin III deficiency; Thrombophilia due to antithrombin III deficiency; Reduced antithrombin III activity; Antithrombin deficiency. Identifiers: Orphanet 82, MedGen C0272375, MONDO:0013144, OMIM 613118, HP:0001976.

gnomAD v4.1: 21 of 1,613,992 alleles (0.0013%); highest among the groups gnomAD compares: Non-Finnish European, 0.0017%; no homozygotes.

Submission:

Labcorp Genetics (formerly Invitae), Labcorp
Classification: Uncertain significance for Hereditary antithrombin deficiency. Last evaluated: 2024-12-03. Review status: criteria provided, single submitter. Criteria: Invitae Variant Classification Sherloc (09022015). Collection method: clinical testing. Allele origin: germline.
Comment: This sequence change replaces lysine, which is basic and polar, with asparagine, which is neutral and polar, at codon 201 of the SERPINC1 protein (p.Lys201Asn). This variant is present in population databases (rs779025291, gnomAD 0.002%). This variant has not been reported in the literature in individuals affected with SERPINC1-related conditions. Invitae Evidence Modeling of protein sequence and biophysical properties (such as structural, functional, and spatial information, amino acid conservation, physicochemical variation, residue mobility, and thermodynamic stability) has been performed for this missense variant. However, the output from this modeling did not meet the statistical confidence thresholds required to predict the impact of this variant on SERPINC1 protein function. In summary, the available evidence is currently insufficient to determine the role of this variant in disease. Therefore, it has been classified as a Variant of Uncertain Significance.

NM_000488.4(SERPINC1):c.603G>T (p.Lys201Asn)

Gene: SERPINC1 (serpin family C member 1; minus strand). Cytogenetic location: 1q25.1.
Variant type: single nucleotide variant.
Coding change: c.603G>T on transcript NM_000488.4 (MANE Select); coding-DNA position 603, G replaced by T.
Protein change: p.Lys201Asn; replaces lysine 201 with asparagine.
Molecular consequence: missense variant. On other transcripts: intron variant (1).
Genome position (GRCh38, 1-based): chr1:173,911,820, C>A on the plus strand (G>T on the coding strand, the complement: SERPINC1 is on the minus strand). VCF-style: chr1-173911820-C-A. GRCh37 (hg19) VCF-style: chr1-173880958-C-A.
Other names: c.459G>T, p.Lys153Asn (NM_001365052.2); c.603G>T, p.Lys201Asn (NM_001386302.1, NM_001386304.1, NM_001386305.1); c.684G>T, p.Lys228Asn (NM_001386303.1); c.409-929G>T (NM_001386306.1); short protein forms K153N, K228N, K201N.
Identifiers: ClinVar variation 3702818 (VCV003702818.1).
Genomic context (GRCh38, chr1:173,911,820, plus strand): 5'-GGAAGAACTCGGAGGTCAGGGGTAACATCTGCAACTCACCTTGAAGTCCAGGGGCTGGAG[C>A]TTGGCTCCATATACCAACTCACTGATGTCCTGGTAGGTCTCATTGAAGGTAAGGGATTTG-3'
Protein context (NP_000479.1, residues 191-211): QDISELVYGA[Lys201Asn]LQPLDFKENA